The following is an entry in ClinVar:

NM_021620.4(PRDM13):c.1513GCC[1] (p.Ala506del)

Gene: PRDM13 (PR/SET domain 13; plus strand). Cytogenetic location: 6q16.2.
Variant type: Microsatellite.
Coding change: c.1513GCC[1] on transcript NM_021620.4 (MANE Select); one copy of the 3-base unit GCC starting at c.1513; the reference has two copies in a row; one copy, 3 bases deleted.
Protein change: p.Ala506del; deletes alanine 506.
Molecular consequence: inframe deletion.
Genome position (GRCh38, 1-based): chr6:99,614,151-99,614,153, GCC deleted; deleting any 3 consecutive bases within chr6:99,614,148-99,614,153 gives the same sequence; the position shown is the placement nearest the transcript's 3' end. VCF-style (leftmost placement, unchanged base first): chr6-99614147-GGCC-G. GRCh37 (hg19) VCF-style: chr6-100062023-GGCC-G.
Other names: short protein forms A506del.
Identifiers: ClinVar variation 2956947 (VCV002956947.4), dbSNP rs2538547216, ClinGen allele CA2578699072.

ClinVar aggregate classification (germline): Uncertain significance. Review status: criteria provided, multiple submitters, no conflicts (2 of 4 stars). 2 submissions from 2 submitters: Uncertain significance (2). Last evaluated 2023-12-28.

Submissions (2):

Labcorp Genetics (formerly Invitae), Labcorp
Classification: Uncertain significance. Last evaluated: 2023-12-28. Review status: criteria provided, single submitter. Criteria: Invitae Variant Classification Sherloc (09022015). Collection method: clinical testing. Allele origin: germline.
Comment: This variant, c.1516_1518del, results in the deletion of 1 amino acid(s) of the PRDM13 protein (p.Ala506del), but otherwise preserves the integrity of the reading frame. This variant is not present in population databases (gnomAD no frequency). This variant has not been reported in the literature in individuals affected with PRDM13-related conditions. Experimental studies and prediction algorithms are not available or were not evaluated, and the functional significance of this variant is currently unknown. In summary, the available evidence is currently insufficient to determine the role of this variant in disease. Therefore, it has been classified as a Variant of Uncertain Significance.

Blueprint Genetics
Classification: Uncertain significance. Last evaluated: 2022-06-02. Review status: criteria provided, single submitter. Criteria: ACMG Guidelines, 2015. Collection method: clinical testing. Allele origin: germline.